The following is an entry in ClinVar:

ClinVar aggregate classification (germline): Uncertain significance (1 of 4 stars; one submission).

Allele frequency attached by ClinVar (database versions not stated): gnomAD exomes below 0.00001; gnomAD 0.00007 and 0.00008; TOPMed 0.00007.
gnomAD v4.1: 22 of 1,606,338 alleles (0.0014%); highest among the groups gnomAD compares: African/African-American, 0.028%; no homozygotes.

Submission:

Labcorp Genetics (formerly Invitae), Labcorp
Classification: Uncertain significance. Last evaluated: 2021-03-14. Review status: criteria provided, single submitter. Criteria: Invitae Variant Classification Sherloc (09022015). Collection method: clinical testing. Allele origin: germline.
Comment: In summary, the available evidence is currently insufficient to determine the role of this variant in disease. Therefore, it has been classified as a Variant of Uncertain Significance. This sequence change replaces proline with alanine at codon 1105 of the CASZ1 protein (p.Pro1105Ala). The proline residue is moderately conserved and there is a small physicochemical difference between proline and alanine. This variant is not present in population databases (ExAC no frequency). This variant has not been reported in the literature in individuals with CASZ1-related conditions. Algorithms developed to predict the effect of missense changes on protein structure and function output the following: SIFT: "Tolerated"; PolyPhen-2: "Benign"; Align-GVGD: "Class C0". The alanine amino acid residue is found in multiple mammalian species, suggesting that this missense change does not adversely affect protein function. These predictions have not been confirmed by published functional studies and their clinical significance is uncertain.

NM_001079843.3(CASZ1):c.3313C>G (p.Pro1105Ala)

Gene: CASZ1 (castor zinc finger 1; minus strand). Cytogenetic location: 1p36.22.
Variant type: single nucleotide variant.
Coding change: c.3313C>G on transcript NM_001079843.3 (MANE Select); coding-DNA position 3313, C replaced by G.
Protein change: p.Pro1105Ala; replaces proline 1105 with alanine.
Molecular consequence: missense variant.
Genome position (GRCh38, 1-based): chr1:10,647,985, G>C on the plus strand (C>G on the coding strand, the complement: CASZ1 is on the minus strand). VCF-style: chr1-10647985-G-C. GRCh37 (hg19) VCF-style: chr1-10708042-G-C.
Other names: c.3313C>G, p.Pro1105Ala (NM_017766.5); short protein forms P1105A.
Identifiers: ClinVar variation 1358266 (VCV001358266.8), dbSNP rs1455135786, ClinGen allele CA338357052.
Genomic context (GRCh38, chr1:10,647,985, plus strand): 5'-TGGAAGCCAGCTGCTTCCAGGCGAGCAGGGTGGGGGTGGAGGGCACGGAGGCCGGGCTGG[G>C]AGCGGGCCCCTCCAGAGAGGACACCGTGGCCGTGGTGACAGGAGGGACCGGAGGGGACGA-3'
Protein context (NP_001073312.1, residues 1095-1115): ATVSSLEGPA[Pro1105Ala]SPASVPSTPT